The following is an entry in ClinVar:

NM_001368894.2(PAX6):c.424C>T (p.Arg142Cys)

Gene: PAX6 (paired box 6; minus strand). Cytogenetic location: 11p13.
Variant type: single nucleotide variant.
Coding change: c.424C>T on transcript NM_001368894.2 (MANE Select); coding-DNA position 424, C replaced by T.
Protein change: p.Arg142Cys; replaces arginine 142 with cysteine.
Molecular consequence: missense variant. On other transcripts: 5 prime UTR variant (14), non-coding transcript variant (2).
Genome position (GRCh38, 1-based): chr11:31,800,832, G>A on the plus strand (C>T on the coding strand, the complement: PAX6 is on the minus strand). VCF-style: chr11-31800832-G-A. GRCh37 (hg19) VCF-style: chr11-31822380-G-A.
Other names: R125C; c.427C>T, p.Arg143Cys (NM_001368911.2); c.424C>T, p.Arg142Cys (NM_001368912.2, NM_001368913.2, NM_001368914.2 and 6 more transcripts); c.382C>T, p.Arg128Cys (NM_001368915.2, NM_001368916.2, NM_001368917.2 and 10 more transcripts); c.499C>T, p.Arg167Cys (NM_001368918.2, NM_001368919.2); c.457C>T, p.Arg153Cys (NM_001368920.2); c.223C>T, p.Arg75Cys (NM_001368921.2, NM_001368922.2, NM_001368923.2 and 4 more transcripts); c.181C>T, p.Arg61Cys (NM_001368928.2); and 2 more; short protein forms R128C, R142C, R143C, R167C, R75C, R153C, R209C, R61C.
Identifiers: ClinVar variation 3470 (VCV000003470.8), dbSNP rs121907918, ClinGen allele CA116221.

ClinVar aggregate classification (germline): Pathogenic/Likely pathogenic. Review status: criteria provided, multiple submitters, no conflicts (2 of 4 stars). 4 submissions from 4 submitters: Pathogenic (1); Likely pathogenic (1). 2 of the submissions do not count toward it. Last evaluated 2022-09-28.

Conditions:
Irido-corneo-trabecular dysgenesis (ASGD5). Also called: ANTERIOR SEGMENT DYSGENESIS 5. Identifiers: Orphanet 708, MedGen C0344559, MONDO:0011414, OMIM 604229, HP:0000659.
Aniridia 1 (AN1). Identifiers: Orphanet 250923, MedGen C0344542, MONDO:0024507, OMIM 106210.
Foveal hypoplasia 1. Also called: FOVEAL HYPOPLASIA 1 WITH OR WITHOUT ANTERIOR SEGMENT ANOMALIES AND/OR CATARACT; FOVEAL HYPOPLASIA 1 WITH ANTERIOR SEGMENT ANOMALIES. Identifiers: Orphanet 2253, MedGen C3805604, MONDO:0007628, OMIM 136520.

Submissions (4):

Labcorp Genetics (formerly Invitae), Labcorp
Classification: Pathogenic for Aniridia 1; Irido-corneo-trabecular dysgenesis. Last evaluated: 2022-09-28. Review status: criteria provided, single submitter. Criteria: Invitae Variant Classification Sherloc (09022015). Collection method: clinical testing. Allele origin: germline.
Comment: This variant disrupts the p.Arg128 amino acid residue in PAX6. Other variant(s) that disrupt this residue have been determined to be pathogenic (PMID: 18332330). This suggests that this residue is clinically significant, and that variants that disrupt this residue are likely to be disease-causing. For these reasons, this variant has been classified as Pathogenic. Experimental studies have shown that this missense change affects PAX6 function (PMID: 14744876, 23404109, 27013732). Advanced modeling of protein sequence and biophysical properties (such as structural, functional, and spatial information, amino acid conservation, physicochemical variation, residue mobility, and thermodynamic stability) performed at Invitae indicates that this missense variant is expected to disrupt PAX6 protein function. ClinVar contains an entry for this variant (Variation ID: 3470). This variant is also known as R125C. This missense change has been observed in individual(s) with foveal hypoplasia (PMID: 8640214, 32360764). It has also been observed to segregate with disease in related individuals. This variant is not present in population databases (gnomAD no frequency). This sequence change replaces arginine, which is basic and polar, with cysteine, which is neutral and slightly polar, at codon 128 of the PAX6 protein (p.Arg128Cys).

Laboratoire de Génétique Moléculaire, CHU Bordeaux
Classification: Likely pathogenic for Foveal hypoplasia 1. Review status: criteria provided, single submitter. Criteria: ACMG Guidelines, 2015. Collection method: clinical testing. Allele origin: germline. Affected: yes.

Wessex Regional Genetics Laboratory, Salisbury District Hospital
Classification: Pathogenic for Aniridia 1. Last evaluated: 2019-08-15. Review status: no assertion criteria provided. Criteria: ACMG Guidelines, 2015. Collection method: clinical testing. Allele origin: inherited. Inheritance: Autosomal dominant inheritance. Affected: yes. Not counted in ClinVar's aggregate classification.

OMIM
Classification: Pathogenic for FOVEAL HYPOPLASIA 1. Last evaluated: 1996-06-01. Review status: no assertion criteria provided. Collection method: literature only. Allele origin: germline. Not counted in ClinVar's aggregate classification.

Literature cited by the submitters: PubMed 18332330 (cited by Labcorp Genetics (formerly Invitae), Labcorp); PubMed 14744876 (cited by Labcorp Genetics (formerly Invitae), Labcorp); PubMed 23404109 (cited by Labcorp Genetics (formerly Invitae), Labcorp); PubMed 27013732 (cited by Labcorp Genetics (formerly Invitae), Labcorp); PubMed 8640214 (cited by Labcorp Genetics (formerly Invitae), Labcorp and OMIM); PubMed 32360764 (cited by Labcorp Genetics (formerly Invitae), Labcorp).